The following is an entry in ClinVar:

ClinVar aggregate classification (germline): Pathogenic (1 of 4 stars; one submission).

Conditions:
CEBALID syndrome (CEBALID). Also called: CRANIOFACIAL DEFECTS, DYSMORPHIC EARS, STRUCTURAL BRAIN ABNORMALITIES, EXPRESSIVE LANGUAGE DELAY, AND IMPAIRED INTELLECTUAL DEVELOPMENT; MN1 C-TERMINAL TRUNCATION SYNDROME. Identifiers: Orphanet 693549, MedGen C5394044, MONDO:0032908, OMIM 618774.

Submission:

Victorian Clinical Genetics Services, Murdoch Childrens Research Institute
Classification: Pathogenic for CEBALID syndrome. Last evaluated: 2025-12-11. Review status: criteria provided, single submitter. Criteria: ACMG Guidelines, 2015. Collection method: clinical testing. Allele origin: germline. Affected: yes.
Comment: This variant is classified as Pathogenic. Evidence in support of pathogenic classification: Variant is predicted to cause nonsense-mediated decay (NMD) and loss of protein (premature termination codon is located at least 54 nucleotides upstream of the final exon-exon junction); Variant is absent from gnomAD (v2, v3 and v4); Other NMD-predicted variants comparable to the one identified in this case have very strong previous evidence for pathogenicity (DECIPHER, PMIDs: 33351141, 33351070); Additional information: This variant is heterozygous; This gene is associated with autosomal dominant disease; This variant has no previous evidence of pathogenicity; No published evidence of segregation with disease has been identified for this variant; No published functional evidence has been identified for this variant; Gain of function and loss of function are known mechanisms of disease in this gene and are associated with CEBALID syndrome (MIM#618774) (PMID: 33351070, OMIM); Variants in this gene are known to have variable expressivity. NMD-predicted variants are associated with a milder phenotype, whereas variants that cause a premature termination codon in the C-terminal (predicted to escape NMD) resulting in a gain of function are associated with a more severe phenotype (PMIDs: 31834374, 33351070, 33351141).

Literature cited by the submitters: PubMed 33351070; PubMed 31834374; PubMed 33351141.

NM_002430.3(MN1):c.176dup (p.Ile60fs)

Gene: MN1 (MN1 proto-oncogene, transcriptional regulator; minus strand). Cytogenetic location: 22q12.1.
Variant type: Duplication.
Coding change: c.176dup on transcript NM_002430.3 (MANE Select); coding-DNA position 176, one base duplicated (C; older notation c.176dupC).
Protein change: p.Ile60fs; shifts the reading frame from isoleucine 60.
Molecular consequence: frameshift variant.
Genome position (GRCh38, 1-based): chr22:27,800,368, G duplicated on the plus strand (C on the coding strand, the reverse complement: MN1 is on the minus strand); the first of 5 consecutive G bases (chr22:27,800,368-27,800,372); duplicating any one gives the same sequence. VCF-style (leftmost placement, unchanged base first): chr22-27800367-C-CG. GRCh37 (hg19) VCF-style: chr22-28196355-C-CG.
Other names: short protein forms I60fs.
Identifiers: ClinVar variation 4818986 (VCV004818986.1).